The following is an entry in ClinVar:

NM_000702.4(ATP1A2):c.1507G>C (p.Val503Leu)

Gene: ATP1A2 (ATPase Na+/K+ transporting subunit alpha 2; plus strand). Cytogenetic location: 1q23.2.
Variant type: single nucleotide variant.
Coding change: c.1507G>C on transcript NM_000702.4 (MANE Select); coding-DNA position 1507, G replaced by C.
Protein change: p.Val503Leu; replaces valine 503 with leucine.
Molecular consequence: missense variant.
Genome position (GRCh38, 1-based): chr1:160,130,147, G>C. VCF-style: chr1-160130147-G-C. GRCh37 (hg19) VCF-style: chr1-160099937-G-C.
Other names: short protein forms V503L.
Identifiers: ClinVar variation 1314296 (VCV001314296.9), dbSNP rs2101990393, ClinGen allele CA343243062.
Genomic context (GRCh38, chr1:160,130,147, plus strand): 5'-CTGTTGTCTCTCCAGCTGTCTATCCACGAGCGAGAAGACAGCCCCCAGAGCCACGTGCTG[G>C]TGATGAAGGGGGCCCCAGAGCGCATTCTGGACCGGTGCTCCACCATCCTGGTGCAGGGCA-3'
Protein context (NP_000693.1, residues 493-513): REDSPQSHVL[Val503Leu]MKGAPERILD

ClinVar aggregate classification (germline): Uncertain significance. Review status: criteria provided, multiple submitters, no conflicts (2 of 4 stars). 2 submissions from 2 submitters: Uncertain significance (2). Last evaluated 2022-07-11.

Conditions:
Familial hemiplegic migraine. Identifiers: MedGen C0338484, MONDO:0000700.

Submissions (2):

Labcorp Genetics (formerly Invitae), Labcorp
Classification: Uncertain significance for Familial hemiplegic migraine. Last evaluated: 2022-07-11. Review status: criteria provided, single submitter. Criteria: Invitae Variant Classification Sherloc (09022015). Collection method: clinical testing. Allele origin: germline.
Comment: Advanced modeling of protein sequence and biophysical properties (such as structural, functional, and spatial information, amino acid conservation, physicochemical variation, residue mobility, and thermodynamic stability) performed at Invitae indicates that this missense variant is not expected to disrupt ATP1A2 protein function. ClinVar contains an entry for this variant (Variation ID: 1314296). This variant has not been reported in the literature in individuals affected with ATP1A2-related conditions. This variant is not present in population databases (gnomAD no frequency). This sequence change replaces valine, which is neutral and non-polar, with leucine, which is neutral and non-polar, at codon 503 of the ATP1A2 protein (p.Val503Leu). In summary, the available evidence is currently insufficient to determine the role of this variant in disease. Therefore, it has been classified as a Variant of Uncertain Significance.

GeneDx
Classification: Uncertain significance. Last evaluated: 2021-04-13. Review status: criteria provided, single submitter. Criteria: GeneDx Variant Classification Process June 2021. Collection method: clinical testing. Allele origin: germline. Affected: yes.
Comment: Has not been previously published as pathogenic or benign to our knowledge; Not observed in large population cohorts (Lek et al., 2016); In silico analysis supports that this missense variant does not alter protein structure/function